The following is an entry in ClinVar:

ClinVar aggregate classification (germline): Uncertain significance (1 of 4 stars; one submission).

Allele frequency attached by ClinVar (database versions not stated): ExAC 0.00002; gnomAD exomes 0.00002 and 0.00003; gnomAD 0.00003.
gnomAD v4.1: 30 of 1,613,856 alleles (0.0019%); highest among the groups gnomAD compares: Admixed American, 0.013%; no homozygotes.

Submission:

Labcorp Genetics (formerly Invitae), Labcorp
Classification: Uncertain significance. Last evaluated: 2022-07-26. Review status: criteria provided, single submitter. Criteria: Invitae Variant Classification Sherloc (09022015). Collection method: clinical testing. Allele origin: germline.
Comment: In summary, the available evidence is currently insufficient to determine the role of this variant in disease. Therefore, it has been classified as a Variant of Uncertain Significance. Algorithms developed to predict the effect of missense changes on protein structure and function (SIFT, PolyPhen-2, Align-GVGD) all suggest that this variant is likely to be tolerated. ClinVar contains an entry for this variant (Variation ID: 961901). This variant has not been reported in the literature in individuals affected with DHX38-related conditions. This variant is present in population databases (rs773202438, gnomAD 0.01%). This sequence change replaces arginine, which is basic and polar, with histidine, which is basic and polar, at codon 227 of the DHX38 protein (p.Arg227His).

NM_014003.4(DHX38):c.680G>A (p.Arg227His)

Gene: DHX38 (DEAH-box helicase 38; plus strand). Cytogenetic location: 16q22.2.
Variant type: single nucleotide variant.
Coding change: c.680G>A on transcript NM_014003.4 (MANE Select); coding-DNA position 680, G replaced by A.
Protein change: p.Arg227His; replaces arginine 227 with histidine.
Molecular consequence: missense variant.
Genome position (GRCh38, 1-based): chr16:72,098,708, G>A. VCF-style: chr16-72098708-G-A. GRCh37 (hg19) VCF-style: chr16-72132607-G-A.
Other names: short protein forms R227H.
Identifiers: ClinVar variation 961901 (VCV000961901.7), dbSNP rs773202438, ClinGen allele CA8160039.